The following is an entry in ClinVar:

ClinVar aggregate classification (germline): Uncertain significance (1 of 4 stars; one submission).

Conditions:
Malignant hyperthermia, susceptibility to, 1 (MHS1). Also called: Anesthesia related hyperthermia; Malignant hyperpyrexia; Fulminating hyperpyrexia; Pharmacogenic myopathy; RYR1-Related Malignant Hyperthermia Susceptibility; Malignant hyperthermia suceptibility 1. Identifiers: Orphanet 423, MedGen C2930980, MONDO:0007783, OMIM 145600.

Allele frequency attached by ClinVar (database versions not stated): gnomAD exomes below 0.00001.
gnomAD v4.1: 6 of 1,611,810 alleles (0.00037%); highest among the groups gnomAD compares: East Asian, 0.0022%; no homozygotes.

Submission:

All of Us Research Program, National Institutes of Health
Classification: Uncertain significance for Malignant hyperthermia, susceptibility to, 1. Last evaluated: 2023-12-18. Review status: criteria provided, single submitter. Criteria: ACMG Guidelines, 2015. Collection method: clinical testing. Allele origin: germline. Inheritance: Autosomal dominant inheritance. Observed: 1 variant allele, 1 heterozygote.
Comment: This missense variant replaces methionine with valine at codon 2944 of the RYR1 protein. Computational prediction is inconclusive regarding the impact of this variant on protein structure and function (internally defined REVEL score threshold 0.5 < inconclusive < 0.7, PMID: 27666373). To our knowledge, functional studies have not been reported for this variant. This variant has not been reported in individuals affected with RYR1-related disorders in the literature. This variant has not been identified in the general population by the Genome Aggregation Database (gnomAD). The available evidence is insufficient to determine the role of this variant in disease conclusively. Therefore, this variant is classified as a Variant of Uncertain Significance.

This study involves interpretation of variants in research participants for the purpose of population health screening. Participant phenotype was not available at the time of variant classification. Additional details can be found in publication PMID: 35346344, PMCID: PMC8962531

NM_000540.3(RYR1):c.8830A>G (p.Met2944Val)

Gene: RYR1 (ryanodine receptor 1; plus strand). Cytogenetic location: 19q13.2.
Variant type: single nucleotide variant.
Coding change: c.8830A>G on transcript NM_000540.3 (MANE Select); coding-DNA position 8830, A replaced by G.
Protein change: p.Met2944Val; replaces methionine 2944 with valine.
Molecular consequence: missense variant.
Genome position (GRCh38, 1-based): chr19:38,507,725, A>G. VCF-style: chr19-38507725-A-G. GRCh37 (hg19) VCF-style: chr19-38998365-A-G.
Other names: c.8830A>G, p.Met2944Val (NM_001042723.2); short protein forms M2944V.
Identifiers: ClinVar variation 3075054 (VCV003075054.1), dbSNP rs2514378184, ClinGen allele CA405681707.